The following is an entry in ClinVar:

NM_177924.5(ASAH1):c.1178T>G (p.Ile393Arg)

Gene: ASAH1 (N-acylsphingosine amidohydrolase 1; minus strand). Cytogenetic location: 8p22.
Variant type: single nucleotide variant.
Coding change: c.1178T>G on transcript NM_177924.5 (MANE Select); coding-DNA position 1178, T replaced by G.
Protein change: p.Ile393Arg; replaces isoleucine 393 with arginine.
Molecular consequence: missense variant.
Genome position (GRCh38, 1-based): chr8:18,057,544, A>C on the plus strand (T>G on the coding strand, the complement: ASAH1 is on the minus strand). VCF-style: chr8-18057544-A-C. GRCh37 (hg19) VCF-style: chr8-17915053-A-C.
Other names: c.1160T>G, p.Ile387Arg (NM_001127505.3); c.983T>G, p.Ile328Arg (NM_001363743.2); c.1226T>G, p.Ile409Arg (NM_004315.6); short protein forms I387R, I409R, I393R, I328R.
Identifiers: ClinVar variation 1929407 (VCV001929407.2), dbSNP rs376831762, ClinGen allele CA4650489.

ClinVar aggregate classification (germline): Uncertain significance (1 of 4 stars; one submission).

Allele frequency attached by ClinVar (database versions not stated): gnomAD exomes below 0.00001; ExAC 0.00001; TOPMed 0.00001; ESP Exome Variant Server 0.00008.
gnomAD v4.1: 1 of 1,599,034 alleles (0.000063%); highest among the groups gnomAD compares: African/African-American, 0.0013%; no homozygotes.

Submission:

Labcorp Genetics (formerly Invitae), Labcorp
Classification: Uncertain significance. Last evaluated: 2022-03-14. Review status: criteria provided, single submitter. Criteria: Invitae Variant Classification Sherloc (09022015). Collection method: clinical testing. Allele origin: germline.
Comment: This sequence change replaces isoleucine, which is neutral and non-polar, with arginine, which is basic and polar, at codon 393 of the ASAH1 protein (p.Ile393Arg). This variant is present in population databases (rs376831762, gnomAD 0.01%). This missense change has been observed in individual(s) with Farber disease (PMID: 32449975). Algorithms developed to predict the effect of missense changes on protein structure and function (SIFT, PolyPhen-2, Align-GVGD) all suggest that this variant is likely to be tolerated. Algorithms developed to predict the effect of sequence changes on RNA splicing suggest that this variant may disrupt the consensus splice site. In summary, the available evidence is currently insufficient to determine the role of this variant in disease. Therefore, it has been classified as a Variant of Uncertain Significance.

Literature cited by the submitters: PubMed 32449975.